The following is an entry in ClinVar:

NM_006939.4(SOS2):c.1219A>G (p.Ser407Gly)

Gene: SOS2 (SOS Ras/Rho guanine nucleotide exchange factor 2; minus strand). Cytogenetic location: 14q21.3.
Variant type: single nucleotide variant.
Coding change: c.1219A>G on transcript NM_006939.4 (MANE Select); coding-DNA position 1219, A replaced by G.
Protein change: p.Ser407Gly; replaces serine 407 with glycine.
Molecular consequence: missense variant.
Genome position (GRCh38, 1-based): chr14:50,160,064, T>C on the plus strand (A>G on the coding strand, the complement: SOS2 is on the minus strand). VCF-style: chr14-50160064-T-C. GRCh37 (hg19) VCF-style: chr14-50626782-T-C.
Other names: c.1120A>G, p.Ser374Gly (NM_001411020.1); short protein forms S374G, S407G.
Identifiers: ClinVar variation 4776766 (VCV004776766.1).

ClinVar aggregate classification (germline): Uncertain significance (1 of 4 stars; one submission).

Conditions:
Noonan syndrome 9 (NS9). Identifiers: Orphanet 648, MedGen C4225282, MONDO:0014691, OMIM 616559.

Submission:

Labcorp Genetics (formerly Invitae), Labcorp
Classification: Uncertain significance for Noonan syndrome 9. Last evaluated: 2025-11-25. Review status: criteria provided, single submitter. Criteria: Invitae Variant Classification Sherloc (09022015). Collection method: clinical testing. Allele origin: germline.
Comment: This sequence change replaces serine, which is neutral and polar, with glycine, which is neutral and non-polar, at codon 407 of the SOS2 protein (p.Ser407Gly). This variant is not present in population databases (gnomAD no frequency). This variant has not been reported in the literature in individuals affected with SOS2-related conditions. Invitae Evidence Modeling of protein sequence and biophysical properties (such as structural, functional, and spatial information, amino acid conservation, physicochemical variation, residue mobility, and thermodynamic stability) indicates that this missense variant is not expected to disrupt SOS2 protein function with a negative predictive value of 95%. In summary, the available evidence is currently insufficient to determine the role of this variant in disease. Therefore, it has been classified as a Variant of Uncertain Significance.